The following is an entry in ClinVar:

NM_018105.3(THAP1):c.65T>C (p.Phe22Ser)

Gene: THAP1 (THAP domain containing 1; minus strand). Cytogenetic location: 8p11.21.
Variant type: single nucleotide variant.
Coding change: c.65T>C on transcript NM_018105.3 (MANE Select); coding-DNA position 65, T replaced by C.
Protein change: p.Phe22Ser; replaces phenylalanine 22 with serine.
Molecular consequence: missense variant.
Genome position (GRCh38, 1-based): chr8:42,843,030, A>G on the plus strand (T>C on the coding strand, the complement: THAP1 is on the minus strand). VCF-style: chr8-42843030-A-G. GRCh37 (hg19) VCF-style: chr8-42698173-A-G.
Other names: p.Phe22Ser; c.65T>C, p.Phe22Ser (NM_199003.2); short protein forms F22S.
Identifiers: ClinVar variation 4879974 (VCV004879974.1).

ClinVar aggregate classification (germline): Uncertain significance (1 of 4 stars; one submission).

Conditions:
Torsion dystonia 6 (DYT6). Also called: DYT-THAP1. Identifiers: Orphanet 98806, MedGen C1414216, MONDO:0011264, OMIM 602629.

Submission:

Foundation for Research in Genetics and Endocrinology, FRIGE's Institute of Human Genetics
Classification: Uncertain significance for Torsion dystonia 6. Last evaluated: 2026-07-03. Review status: criteria provided, single submitter. Criteria: ACMG Guidelines, 2015. Collection method: clinical testing. Allele origin: germline. Inheritance: Autosomal dominant inheritance. Affected: yes. Observed: 1 variant allele, 1 heterozygote.
Comment: A heterozygous missense variant in exon 1 of the THAP1 gene that results in the amino acid substitution of Serine for Phenylalanine at codon 22 (p.Phe22Ser) was detected. The variant has not been reported in the 1000 genomes, gnomAD (v3.1), gnomAD (v2.1) and topmed databases. The in-silico predictions of the variant are probably damaging by PolyPhen-2 and damaging by SIFT, LRT, CONDEL, FATHMM, MetaSVM and MutationTaster2. The reference codon is conserved across species. In summary, the variant meets our criteria to be classified as variant of uncertain significance.